The following is an entry in ClinVar:

NM_001130144.3(LTBP3):c.2720G>A (p.Cys907Tyr)

Gene: LTBP3 (latent transforming growth factor beta binding protein 3; minus strand). Cytogenetic location: 11q13.1.
Variant type: single nucleotide variant.
Coding change: c.2720G>A on transcript NM_001130144.3 (MANE Select); coding-DNA position 2720, G replaced by A.
Protein change: p.Cys907Tyr; replaces cysteine 907 with tyrosine.
Molecular consequence: missense variant.
Genome position (GRCh38, 1-based): chr11:65,541,605, C>T on the plus strand (G>A on the coding strand, the complement: LTBP3 is on the minus strand). VCF-style: chr11-65541605-C-T. GRCh37 (hg19) VCF-style: chr11-65309076-C-T.
Other names: c.2369G>A, p.Cys790Tyr (NM_001164266.1); c.2720G>A, p.Cys907Tyr (NM_021070.4); short protein forms C790Y, C907Y.
Identifiers: ClinVar variation 4624001 (VCV004624001.1).

ClinVar aggregate classification (germline): Uncertain significance (1 of 4 stars; one submission).

Conditions:
Inborn genetic diseases. Identifiers: MedGen C0950123, MeSH D030342.

Submission:

Ambry Genetics
Classification: Uncertain significance for Inborn genetic diseases. Last evaluated: 2025-11-07. Review status: criteria provided, single submitter. Criteria: Ambry Variant Classification Scheme 2023. Collection method: clinical testing. Allele origin: germline.
Comment: The p.C907Y variant (also known as c.2720G>A), located in coding exon 19 of the LTBP3 gene, results from a G to A substitution at nucleotide position 2720. The cysteine at codon 907 is replaced by tyrosine, an amino acid with highly dissimilar properties. This amino acid position is conserved. In addition, this alteration is predicted to be deleterious by in silico analysis. Based on the available evidence, the clinical significance of this variant remains unclear.